The following is an entry in ClinVar:

ClinVar aggregate classification (germline): Conflicting classifications of pathogenicity. Review status: criteria provided, conflicting classifications (1 of 4 stars). 3 submissions from 3 submitters: Likely pathogenic (1); Uncertain significance (2). Last evaluated 2023-11-17.

Conditions:
Hereditary cancer-predisposing syndrome. Also called: Hereditary Cancer Syndrome; Tumor predisposition; Neoplastic Syndromes, Hereditary; Hereditary neoplastic syndrome. Identifiers: Orphanet 140162, MedGen C0027672, MeSH D009386, MONDO:0015356.
Oligodontia-cancer predisposition syndrome. Also called: TOOTH AGENESIS-COLORECTAL CANCER SYNDROME. Identifiers: Orphanet 300576, MedGen C1837750, MONDO:0012075, OMIM 608615. Disease mechanism: loss of function.

Allele frequency attached by ClinVar (database versions not stated): ExAC 0.00001; gnomAD exomes 0.00001.
gnomAD v4.1: 13 of 1,602,460 alleles (0.00081%); highest among the groups gnomAD compares: South Asian, 0.0099%; no homozygotes.

Submissions (3):

Labcorp Genetics (formerly Invitae), Labcorp
Classification: Uncertain significance for Oligodontia-cancer predisposition syndrome. Last evaluated: 2023-11-17. Review status: criteria provided, single submitter. Criteria: Invitae Variant Classification Sherloc (09022015). Collection method: clinical testing. Allele origin: germline.
Comment: This sequence change affects an acceptor splice site in intron 6 of the AXIN2 gene. Loss-of-function variants in AXIN2 are known to be pathogenic (PMID: 21416598, 15042511). However, tissue-specific alternative splicing of AXIN2 gene results in functional isoform lacking in-frame exon 7 (also known as exon 6, PMID: 15735151). For this reason the clinical significance of loss of function variants in exon 7 is currently uncertain. This variant is present in population databases (rs766170422, gnomAD 0.003%). This variant has not been reported in the literature in individuals affected with AXIN2-related conditions. ClinVar contains an entry for this variant (Variation ID: 1323965). Algorithms developed to predict the effect of sequence changes on RNA splicing suggest that this variant may disrupt the consensus splice site. In summary, the available evidence is currently insufficient to determine the role of this variant in disease. Therefore, it has been classified as a Variant of Uncertain Significance.

Ambry Genetics
Classification: Uncertain significance for Hereditary cancer-predisposing syndrome. Last evaluated: 2023-11-16. Review status: criteria provided, single submitter. Criteria: Ambry Variant Classification Scheme 2023. Collection method: clinical testing. Allele origin: germline.
Comment: The c.1713-2A>G intronic variant results from an A to G substitution two nucleotides upstream from coding exon 6 in the AXIN2 gene. This nucleotide position is conserved on limited sequence alignment. In silico splice site analysis predicts that this alteration will weaken the native splice acceptor site. RNA studies have demonstrated that this alteration results in an splice defect involving exons excluded from naturally occurring transcripts; the clinical impact of this abnormal splicing is unknown at this time (Ambry internal data). Since supporting evidence is limited at this time, the clinical significance of this alteration remains unclear.

Revvity Omics, Revvity
Classification: Likely pathogenic for Oligodontia-cancer predisposition syndrome. Last evaluated: 2021-10-28. Review status: criteria provided, single submitter. Criteria: ACMG Guidelines, 2015. Collection method: clinical testing. Allele origin: germline.

Literature cited by the submitters: PubMed 21416598 (cited by Labcorp Genetics (formerly Invitae), Labcorp); PubMed 15042511 (cited by Labcorp Genetics (formerly Invitae), Labcorp).

NM_004655.4(AXIN2):c.1713-2A>G

Gene: AXIN2 (axin 2; minus strand). Cytogenetic location: 17q24.1.
Variant type: single nucleotide variant.
Coding change: c.1713-2A>G on transcript NM_004655.4 (MANE Select); the canonical splice acceptor site of the intron before coding-DNA position 1713, A replaced by G.
Molecular consequence: splice acceptor variant. On other transcripts: intron variant (1).
Genome position (GRCh38, 1-based): chr17:65,537,065, T>C on the plus strand (A>G on the coding strand, the complement: AXIN2 is on the minus strand). VCF-style: chr17-65537065-T-C. GRCh37 (hg19) VCF-style: chr17-63533183-T-C.
Other names: c.1712+259A>G (NM_001363813.1); c.1713-2A>G (NM_004655.3).
Identifiers: ClinVar variation 1323965 (VCV001323965.8), dbSNP rs766170422, ClinGen allele CA8718546.